The following is an entry in ClinVar:

ClinVar aggregate classification (germline): Uncertain significance (1 of 4 stars; one submission).

Submission:

GeneDx
Classification: Uncertain significance. Last evaluated: 2012-12-10. Review status: criteria provided, single submitter. Criteria: GeneDx Variant Classification (06012015). Collection method: clinical testing. Allele origin: germline. Affected: yes.
Comment: Missense variants in the TTN gene are considered 'unclassified' if they are not previously reported in the literature and do not have >1% frequency in the population to be considered a polymorphism. Research indicates that truncating mutations in the TTN gene are expected to account for approximately 25% of familial and 18% of sporadic idiopathic DCM; however, truncating variants in the TTN gene have been reported in approximately 3% of reported control alleles. There has been little investigation into non-truncating variants. (Herman D et al. Truncations of titin causing dilated cardiomyopathy. N Eng J Med 366:619-628, 2012) The variant is found in DCM panel(s).

NM_001267550.2(TTN):c.17009G>C (p.Trp5670Ser)

Genes: TTN (titin; minus strand), LOC126806431 (CDK7 strongly-dependent group 2 enhancer GRCh37_chr2:179595719-179596918; plus strand). Cytogenetic location: 2q31.2.
Variant type: single nucleotide variant.
Coding change: c.17009G>C on transcript NM_001267550.2 (MANE Select); coding-DNA position 17009, G replaced by C.
Protein change: p.Trp5670Ser; replaces tryptophan 5670 with serine.
Molecular consequence: missense variant. On other transcripts: intron variant (3).
Genome position (GRCh38, 1-based): chr2:178,731,866, C>G on the plus strand (G>C on the coding strand, the complement: TTN is on the minus strand). VCF-style: chr2-178731866-C-G. GRCh37 (hg19) VCF-style: chr2-179596593-C-G.
Other names: p.W5353S:TGG>TCG; c.16058G>C, p.Trp5353Ser (NM_001256850.1); c.13277G>C, p.Trp4426Ser (NM_133378.4); c.13282+6216G>C (NM_003319.4); c.13858+6216G>C (NM_133437.4); c.13657+6216G>C (NM_133432.3); short protein forms W5353S, W5670S, W4426S.
Identifiers: ClinVar variation 203259 (VCV000203259.2), dbSNP rs794729613, ClinGen allele CA311841.